The following is an entry in ClinVar:

ClinVar aggregate classification (germline): Uncertain significance (0 of 4 stars; one submission).

Conditions:
VPS13B-related disorder. Also called: VPS13B-related condition.

gnomAD v4.1: 1 of 1,594,130 alleles (0.000063%); no homozygotes.

Submission:

PreventionGenetics, part of Exact Sciences
Classification: Uncertain significance for VPS13B-related condition. Last evaluated: 2023-11-22. Review status: no assertion criteria provided. Collection method: clinical testing. Allele origin: germline.
Comment: The VPS13B c.11150A>G variant is predicted to result in the amino acid substitution p.Gln3717Arg. To our knowledge, this variant has not been reported in the literature. This variant is reported in 0.0062% of alleles in individuals of East Asian descent in gnomAD. At this time, the clinical significance of this variant is uncertain due to the absence of conclusive functional and genetic evidence.

NM_152564.5(VPS13B):c.11150A>G (p.Gln3717Arg)

Gene: VPS13B (vacuolar protein sorting 13 homolog B; plus strand). Cytogenetic location: 8q22.2.
Variant type: single nucleotide variant.
Coding change: c.11150A>G on transcript NM_152564.5 (MANE Select); coding-DNA position 11150, A replaced by G.
Protein change: p.Gln3717Arg; replaces glutamine 3717 with arginine.
Molecular consequence: missense variant.
Genome position (GRCh38, 1-based): chr8:99,861,881, A>G. VCF-style: chr8-99861881-A-G. GRCh37 (hg19) VCF-style: chr8-100874109-A-G.
Other names: c.11225A>G, p.Gln3742Arg (NM_017890.5); short protein forms Q3717R, Q3742R.
Identifiers: ClinVar variation 3349220 (VCV003349220.1).